The following is an entry in ClinVar:

ClinVar aggregate classification (germline): Conflicting classifications of pathogenicity. Review status: criteria provided, conflicting classifications (1 of 4 stars). 2 submissions from 2 submitters: Uncertain significance (1); Likely benign (1). Last evaluated 2023-02-02.

Conditions:
Deficiency of adenosine deaminase 2. Also called: Polyarteritis nodosa, childhoood-onset; Adenosine Deaminase 2 Deficiency; VASCULITIS, AUTOINFLAMMATION, IMMUNODEFICIENCY, AND HEMATOLOGIC DEFECTS SYNDROME. Identifiers: Orphanet 404553, MedGen C3887654, MONDO:0014306, OMIM 615688, MONDO:0100317.

gnomAD v4.1: 1 of 1,613,378 alleles (0.000062%); highest among the groups gnomAD compares: Non-Finnish European, 0.000085%; no homozygotes.

Submissions (2):

Blueprint Genetics
Classification: Likely benign. Last evaluated: 2023-02-02. Review status: criteria provided, single submitter. Criteria: ACMG Guidelines, 2015. Collection method: clinical testing. Allele origin: germline.

Labcorp Genetics (formerly Invitae), Labcorp
Classification: Uncertain significance for Deficiency of adenosine deaminase 2. Last evaluated: 2022-08-19. Review status: criteria provided, single submitter. Criteria: Invitae Variant Classification Sherloc (09022015). Collection method: clinical testing. Allele origin: germline.
Comment: In summary, the available evidence is currently insufficient to determine the role of this variant in disease. Therefore, it has been classified as a Variant of Uncertain Significance. Algorithms developed to predict the effect of missense changes on protein structure and function output the following: SIFT: "Tolerated"; PolyPhen-2: "Benign"; Align-GVGD: "Class C0". The asparagine amino acid residue is found in multiple mammalian species, which suggests that this missense change does not adversely affect protein function. This variant has not been reported in the literature in individuals affected with ADA2-related conditions. This variant is not present in population databases (gnomAD no frequency). This sequence change replaces serine, which is neutral and polar, with asparagine, which is neutral and polar, at codon 256 of the ADA2 protein (p.Ser256Asn).

NM_001282225.2(ADA2):c.767G>A (p.Ser256Asn)

Gene: ADA2 (adenosine deaminase 2; minus strand). Cytogenetic location: 22q11.1.
Variant type: single nucleotide variant.
Coding change: c.767G>A on transcript NM_001282225.2 (MANE Select); coding-DNA position 767, G replaced by A.
Protein change: p.Ser256Asn; replaces serine 256 with asparagine.
Molecular consequence: missense variant.
Genome position (GRCh38, 1-based): chr22:17,191,797, C>T on the plus strand (G>A on the coding strand, the complement: ADA2 is on the minus strand). VCF-style: chr22-17191797-C-T. GRCh37 (hg19) VCF-style: chr22-17672687-C-T.
Other names: c.767G>A, p.Ser256Asn (NM_001282226.2); c.641G>A, p.Ser214Asn (NM_001282227.2, NM_001282228.2); c.407G>A, p.Ser136Asn (NM_001282229.2); c.44G>A, p.Ser15Asn (NM_177405.3); short protein forms S136N, S256N, S15N, S214N.
Identifiers: ClinVar variation 2169766 (VCV002169766.3), dbSNP rs1208715755, ClinGen allele CA410225927.